The following is an entry in ClinVar:

NM_002941.4(ROBO1):c.2237A>G (p.Asn746Ser)

Gene: ROBO1 (roundabout guidance receptor 1; minus strand). Cytogenetic location: 3p12.3.
Variant type: single nucleotide variant.
Coding change: c.2237A>G on transcript NM_002941.4 (MANE Select); coding-DNA position 2237, A replaced by G.
Protein change: p.Asn746Ser; replaces asparagine 746 with serine.
Molecular consequence: missense variant.
Genome position (GRCh38, 1-based): chr3:78,661,113, T>C on the plus strand (A>G on the coding strand, the complement: ROBO1 is on the minus strand). VCF-style: chr3-78661113-T-C. GRCh37 (hg19) VCF-style: chr3-78710263-T-C.
Other names: c.2129A>G, p.Asn710Ser (NM_001145844.1, NM_001145845.2, NM_133631.4); short protein forms N710S, N746S.
Identifiers: ClinVar variation 2793979 (VCV002793979.3), dbSNP rs748714598, ClinGen allele CA2498729.

ClinVar aggregate classification (germline): Uncertain significance (1 of 4 stars; one submission).

Allele frequency attached by ClinVar (database versions not stated): gnomAD exomes below 0.00001; ExAC 0.00001.
gnomAD v4.1: 6 of 1,613,812 alleles (0.00037%); highest among the groups gnomAD compares: South Asian, 0.0055%; no homozygotes.

Submission:

Labcorp Genetics (formerly Invitae), Labcorp
Classification: Uncertain significance. Last evaluated: 2024-01-14. Review status: criteria provided, single submitter. Criteria: Invitae Variant Classification Sherloc (09022015). Collection method: clinical testing. Allele origin: germline.
Comment: This sequence change replaces asparagine, which is neutral and polar, with serine, which is neutral and polar, at codon 746 of the ROBO1 protein (p.Asn746Ser). This variant is present in population databases (rs748714598, gnomAD 0.007%). This variant has not been reported in the literature in individuals affected with ROBO1-related conditions. Advanced modeling of protein sequence and biophysical properties (such as structural, functional, and spatial information, amino acid conservation, physicochemical variation, residue mobility, and thermodynamic stability) performed at Invitae indicates that this missense variant is not expected to disrupt ROBO1 protein function with a negative predictive value of 95%. In summary, the available evidence is currently insufficient to determine the role of this variant in disease. Therefore, it has been classified as a Variant of Uncertain Significance.